The following is an entry in ClinVar:

ClinVar aggregate classification (germline): Uncertain significance (1 of 4 stars; one submission).

Allele frequency attached by ClinVar (database versions not stated): TOPMed below 0.00001; gnomAD 0.00001; gnomAD exomes 0.00001.
gnomAD v4.1: 7 of 1,614,012 alleles (0.00043%); highest among the groups gnomAD compares: Non-Finnish European, 0.00034%; no homozygotes.

Submission:

GeneDx
Classification: Uncertain significance. Last evaluated: 2019-09-18. Review status: criteria provided, single submitter. Criteria: GeneDx Variant Classification Process June 2021. Collection method: clinical testing. Allele origin: germline. Affected: yes.
Comment: Not observed at a significant frequency in large population cohorts (Lek et al., 2016); In silico analysis, which includes protein predictors and evolutionary conservation, supports a deleterious effect; Has not been previously published as pathogenic or benign to our knowledge

NM_001377229.1(DISP1):c.1339C>T (p.Pro447Ser)

Gene: DISP1 (dispatched RND transporter family member 1; plus strand). Cytogenetic location: 1q41.
Variant type: single nucleotide variant.
Coding change: c.1339C>T on transcript NM_001377229.1 (MANE Select); coding-DNA position 1339, C replaced by T.
Protein change: p.Pro447Ser; replaces proline 447 with serine.
Molecular consequence: missense variant.
Genome position (GRCh38, 1-based): chr1:223,002,736, C>T. VCF-style: chr1-223002736-C-T. GRCh37 (hg19) VCF-style: chr1-223176078-C-T.
Other names: c.610C>T, p.Pro204Ser (NM_001350630.2); c.1339C>T, p.Pro447Ser (NM_001369594.1, NM_001377228.1, NM_032890.5); short protein forms P204S, P447S.
Identifiers: ClinVar variation 1304654 (VCV001304654.2), dbSNP rs1314051578, ClinGen allele CA344678992.